The following is an entry in ClinVar:

NM_000017.4(ACADS):c.1084C>G (p.Gln362Glu)

Gene: ACADS (acyl-CoA dehydrogenase short chain; plus strand). Cytogenetic location: 12q24.31.
Variant type: single nucleotide variant.
Coding change: c.1084C>G on transcript NM_000017.4 (MANE Select); coding-DNA position 1084, C replaced by G.
Protein change: p.Gln362Glu; replaces glutamine 362 with glutamic acid.
Molecular consequence: missense variant.
Genome position (GRCh38, 1-based): chr12:120,739,194, C>G. VCF-style: chr12-120739194-C-G. GRCh37 (hg19) VCF-style: chr12-121176997-C-G.
Other names: c.1072C>G, p.Gln358Glu (NM_001302554.2); short protein forms Q362E, Q358E.
Identifiers: ClinVar variation 529838 (VCV000529838.10), dbSNP rs541587321, ClinGen allele CA386601736.

ClinVar aggregate classification (germline): Uncertain significance (1 of 4 stars; one submission).

Conditions:
Deficiency of butyryl-CoA dehydrogenase (ACADSD). Also called: SCAD DEFICIENCY, MILD; ACYL-CoA DEHYDROGENASE, SHORT-CHAIN, DEFICIENCY OF; SCADH DEFICIENCY; SCAD Deficiency; ACADS DEFICIENCY; Short-Chain Acyl-CoA Dehydrogenase Deficiency. Identifiers: Orphanet 26792, MedGen C0342783, MONDO:0008722, OMIM 201470. Disease mechanism: May be benign.

Submission:

Labcorp Genetics (formerly Invitae), Labcorp
Classification: Uncertain significance for Deficiency of butyryl-CoA dehydrogenase. Last evaluated: 2025-08-29. Review status: criteria provided, single submitter. Criteria: Invitae Variant Classification Sherloc (09022015). Collection method: clinical testing. Allele origin: germline.
Comment: This sequence change replaces glutamine, which is neutral and polar, with glutamic acid, which is acidic and polar, at codon 362 of the ACADS protein (p.Gln362Glu). This variant is not present in population databases (gnomAD no frequency). This missense change has been observed in individual(s) with a positive newborn screening result for ACADS-related disease (PMID: 22424739; internal data). ClinVar contains an entry for this variant (Variation ID: 529838). An algorithm developed to predict the effect of missense changes on protein structure and function (PolyPhen-2) suggests that this variant is likely to be disruptive. In summary, the available evidence is currently insufficient to determine the role of this variant in disease. Therefore, it has been classified as a Variant of Uncertain Significance.

Literature cited by the submitters: PubMed 22424739.